The following is an entry in ClinVar:

NM_002519.3(NPAT):c.1259G>A (p.Ser420Asn)

Gene: NPAT (nuclear protein, coactivator of histone transcription; minus strand). Cytogenetic location: 11q22.3.
Variant type: single nucleotide variant.
Coding change: c.1259G>A on transcript NM_002519.3 (MANE Select); coding-DNA position 1259, G replaced by A.
Protein change: p.Ser420Asn; replaces serine 420 with asparagine.
Molecular consequence: missense variant.
Genome position (GRCh38, 1-based): chr11:108,173,725, C>T on the plus strand (G>A on the coding strand, the complement: NPAT is on the minus strand). VCF-style: chr11-108173725-C-T. GRCh37 (hg19) VCF-style: chr11-108044452-C-T.
Other names: c.1259G>A, p.Ser420Asn (NM_001321307.1); short protein forms S420N.
Identifiers: ClinVar variation 4732058 (VCV004732058.1).
Genomic context (GRCh38, chr11:108,173,725, plus strand): 5'-ATGTCACACTTCTGTTCAGTGGGTACAGCTGTTTTAAAGGCCTTTTTCTGTATGCTGGTA[C>T]TTATTTGGGAAAAATTTTCCTGGTCTTCTTGTCTAAGCACATCATGGTTGTTGCTATTCT-3'
Protein context (NP_002510.2, residues 410-430): QEDQENFSQI[Ser420Asn]TSIQKKAFKT

ClinVar aggregate classification (germline): Uncertain significance (1 of 4 stars; one submission).

gnomAD v4.1: 1 of 1,614,064 alleles (0.000062%); highest among the groups gnomAD compares: Non-Finnish European, 0.000085%; no homozygotes.

Submission:

Labcorp Genetics (formerly Invitae), Labcorp
Classification: Uncertain significance. Last evaluated: 2025-12-03. Review status: criteria provided, single submitter. Criteria: Invitae Variant Classification Sherloc (09022015). Collection method: clinical testing. Allele origin: germline.
Comment: This sequence change replaces serine, which is neutral and polar, with asparagine, which is neutral and polar, at codon 420 of the NPAT protein (p.Ser420Asn). This variant is not present in population databases (gnomAD no frequency). This variant has not been reported in the literature in individuals affected with NPAT-related conditions. An algorithm developed to predict the effect of missense changes on protein structure and function (PolyPhen-2) suggests that this variant is likely to be tolerated. In summary, the available evidence is currently insufficient to determine the role of this variant in disease. Therefore, it has been classified as a Variant of Uncertain Significance.